The following is an entry in ClinVar:

ClinVar aggregate classification (germline): Uncertain significance (1 of 4 stars; one submission).

Conditions:
Early-infantile DEE. Also called: Early infantile epileptic encephalopathy; Early infantile epileptic encephalopathy with suppression bursts; Ohtahara syndrome. Identifiers: Orphanet 1934, MedGen C0393706, MONDO:0800491.

Submission:

Labcorp Genetics (formerly Invitae), Labcorp
Classification: Uncertain significance for Early-infantile DEE. Last evaluated: 2025-06-29. Review status: criteria provided, single submitter. Criteria: Invitae Variant Classification Sherloc (09022015). Collection method: clinical testing. Allele origin: germline.
Comment: This sequence change replaces serine, which is neutral and polar, with tryptophan, which is neutral and slightly polar, at codon 1578 of the SPTAN1 protein (p.Ser1578Trp). This variant is not present in population databases (gnomAD no frequency). This variant has not been reported in the literature in individuals affected with SPTAN1-related conditions. Invitae Evidence Modeling of protein sequence and biophysical properties (such as structural, functional, and spatial information, amino acid conservation, physicochemical variation, residue mobility, and thermodynamic stability) has been performed for this missense variant. However, the output from this modeling did not meet the statistical confidence thresholds required to predict the impact of this variant on SPTAN1 protein function. In summary, the available evidence is currently insufficient to determine the role of this variant in disease. Therefore, it has been classified as a Variant of Uncertain Significance.

NM_001130438.3(SPTAN1):c.4733C>G (p.Ser1578Trp)

Gene: SPTAN1 (spectrin alpha, non-erythrocytic 1; plus strand). Cytogenetic location: 9q34.11.
Variant type: single nucleotide variant.
Coding change: c.4733C>G on transcript NM_001130438.3 (MANE Select); coding-DNA position 4733, C replaced by G.
Protein change: p.Ser1578Trp; replaces serine 1578 with tryptophan.
Molecular consequence: missense variant.
Genome position (GRCh38, 1-based): chr9:128,609,259, C>G. VCF-style: chr9-128609259-C-G. GRCh37 (hg19) VCF-style: chr9-131371538-C-G.
Other names: c.4673C>G, p.Ser1558Trp (NM_001195532.2, NM_001363765.2, NM_001375314.2 and 3 more transcripts); c.4733C>G, p.Ser1578Trp (NM_001363759.2, NM_001375310.1, NM_001375311.2 and 4 more transcripts); c.4769C>G, p.Ser1590Trp (NM_001375312.2, NM_001375318.1, NM_001438440.1); short protein forms S1558W, S1578W, S1590W.
Identifiers: ClinVar variation 4801854 (VCV004801854.1).
Genomic context (GRCh38, chr9:128,609,259, plus strand): 5'-GGGATGTGGATGAGATTGAGGCTTGGATCAGTGAAAAATTGCAAACAGCGAGTGATGAGT[C>G]GTACAAGGATCCCACCAACATCCAGGTAAGCTGAAGTGACTGGGTGTTGGTCTTGATGTA-3'
Protein context (NP_001123910.1, residues 1568-1588): SEKLQTASDE[Ser1578Trp]YKDPTNIQLS